The following is an entry in ClinVar:

NM_001367624.2(ZNF469):c.417C>G (p.Asn139Lys)

Gene: ZNF469 (zinc finger protein 469; plus strand). Cytogenetic location: 16q24.2.
Variant type: single nucleotide variant.
Coding change: c.417C>G on transcript NM_001367624.2 (MANE Select); coding-DNA position 417, C replaced by G.
Protein change: p.Asn139Lys; replaces asparagine 139 with lysine.
Molecular consequence: missense variant.
Genome position (GRCh38, 1-based): chr16:88,427,887, C>G. VCF-style: chr16-88427887-C-G. GRCh37 (hg19) VCF-style: chr16-88494295-C-G.
Other names: NM_001127464.1:c.417C>G; short protein forms N139K.
Identifiers: ClinVar variation 3258255 (VCV003258255.1).
Genomic context (GRCh38, chr16:88,427,887, plus strand): 5'-CTACATTCTGGGCATCGCCAGCTCGAGGACCAAGCCCACCCTGGACGAGACACCAGAGAA[C>G]CCACAGCTGGAGGCTGCCCAGCTCCCTGAGGTGGACACCCCCCAGGGCCCTGGGACTGGA-3'
Protein context (NP_001354553.1, residues 129-149): TKPTLDETPE[Asn139Lys]PQLEAAQLPE

ClinVar aggregate classification (germline): Uncertain significance (1 of 4 stars; one submission).

Conditions:
Cardiovascular phenotype. Identifiers: MedGen CN230736.

gnomAD v4.1: 2 of 1,549,830 alleles (0.00013%); highest among the groups gnomAD compares: Admixed American, 0.002%; no homozygotes.

Submission:

Ambry Genetics
Classification: Uncertain significance for Cardiovascular phenotype. Last evaluated: 2024-05-02. Review status: criteria provided, single submitter. Criteria: Ambry Variant Classification Scheme 2023. Collection method: clinical testing. Allele origin: germline.
Comment: The p.N139K variant (also known as c.417C>G), located in coding exon 1 of the ZNF469 gene, results from a C to G substitution at nucleotide position 417. The asparagine at codon 139 is replaced by lysine, an amino acid with similar properties. This amino acid position is conserved. In addition, this alteration is predicted to be tolerated by in silico analysis. Based on the available evidence, the clinical significance of this variant remains unclear.